The following is an entry in ClinVar:

NM_000264.5(PTCH1):c.19G>A (p.Ala7Thr)

Genes: PTCH1 (patched 1; minus strand), LOC130002133 (ATAC-STARR-seq lymphoblastoid silent region 20071; plus strand). Cytogenetic location: 9q22.32.
Variant type: single nucleotide variant.
Coding change: c.19G>A on transcript NM_000264.5 (MANE Select); coding-DNA position 19, G replaced by A.
Protein change: p.Ala7Thr; replaces alanine 7 with threonine.
Molecular consequence: missense variant. On other transcripts: non-coding transcript variant (1), intron variant (3).
Genome position (GRCh38, 1-based): chr9:95,508,343, C>T on the plus strand (G>A on the coding strand, the complement: PTCH1 is on the minus strand). VCF-style: chr9-95508343-C-T. GRCh37 (hg19) VCF-style: chr9-98270625-C-T.
Other names: c.19G>A, p.Ala7Thr (NM_001354918.2); c.199-1744G>A (NM_001083603.3); c.4-1744G>A (NM_001083602.3, NM_001354919.2); short protein forms A7T.
Identifiers: ClinVar variation 3706337 (VCV003706337.2).

ClinVar aggregate classification (germline): Uncertain significance (1 of 4 stars; one submission).

Conditions:
Gorlin syndrome. Also called: Nevoid Basal Cell Carcinoma Syndrome; Basal cell nevus syndrome. Identifiers: Orphanet 377, MedGen C0004779, MONDO:0007187.

Submission:

Labcorp Genetics (formerly Invitae), Labcorp
Classification: Uncertain significance for Gorlin syndrome. Last evaluated: 2024-06-28. Review status: criteria provided, single submitter. Criteria: Invitae Variant Classification Sherloc (09022015). Collection method: clinical testing. Allele origin: germline.
Comment: This sequence change replaces alanine, which is neutral and non-polar, with threonine, which is neutral and polar, at codon 7 of the PTCH1 protein (p.Ala7Thr). This variant is not present in population databases (gnomAD no frequency). This variant has not been reported in the literature in individuals affected with PTCH1-related conditions. Advanced modeling of protein sequence and biophysical properties (such as structural, functional, and spatial information, amino acid conservation, physicochemical variation, residue mobility, and thermodynamic stability) performed at Invitae indicates that this missense variant is not expected to disrupt PTCH1 protein function with a negative predictive value of 95%. In summary, the available evidence is currently insufficient to determine the role of this variant in disease. Therefore, it has been classified as a Variant of Uncertain Significance.